The following is an entry in ClinVar:

ClinVar aggregate classification (germline): Uncertain significance (1 of 4 stars; one submission).

gnomAD v4.1: 9 of 1,596,014 alleles (0.00056%); highest among the groups gnomAD compares: South Asian, 0.0011%; 1 homozygote.

Submission:

Ambry Genetics
Classification: Uncertain significance. Last evaluated: 2022-05-11. Review status: criteria provided, single submitter. Criteria: Ambry Variant Classification Scheme 2023. Collection method: clinical testing. Allele origin: germline.
Comment: The p.H886Y variant (also known as c.2656C>T), located in coding exon 14 of the PALLD gene, results from a C to T substitution at nucleotide position 2656. The histidine at codon 886 is replaced by tyrosine, an amino acid with similar properties. This amino acid position is conserved. In addition, the in silico prediction for this alteration is inconclusive. Since supporting evidence is limited at this time, the clinical significance of this alteration remains unclear.

NM_001166108.2(PALLD):c.2707C>T (p.His903Tyr)

Genes: CBR4 (carbonyl reductase 4; minus strand), PALLD (palladin, cytoskeletal associated protein; plus strand). Cytogenetic location: 4q32.3.
Variant type: single nucleotide variant.
Coding change: c.2707C>T on transcript NM_001166108.2 (MANE Select); coding-DNA position 2707, C replaced by T.
Protein change: p.His903Tyr; replaces histidine 903 with tyrosine.
Molecular consequence: missense variant.
Genome position (GRCh38, 1-based): chr4:168,914,011, C>T. VCF-style: chr4-168914011-C-T. GRCh37 (hg19) VCF-style: chr4-169835162-C-T.
Other names: c.1510C>T, p.His504Tyr (NM_001166109.2); c.1195C>T, p.His399Tyr (NM_001166110.2); c.535C>T, p.His179Tyr (NM_001367567.1, NM_001367569.1); c.586C>T, p.His196Tyr (NM_001367568.1, NM_001367570.1); c.2656C>T, p.His886Tyr (NM_016081.4); short protein forms H903Y, H179Y, H399Y, H196Y, H504Y, H886Y.
Identifiers: ClinVar variation 1794381 (VCV001794381.2), dbSNP rs2534044367, ClinGen allele CA358705351.